The following is an entry in ClinVar:

ClinVar aggregate classification (germline): Likely pathogenic (1 of 4 stars; one submission).

Conditions:
SPTBN1-related disorder. Also called: SPTBN1-related condition.

Submission:

PreventionGenetics, part of Exact Sciences
Classification: Likely pathogenic for SPTBN1-related condition. Last evaluated: 2025-08-06. Review status: criteria provided, single submitter. Criteria: ACMG Guidelines, 2015. Collection method: clinical testing. Allele origin: germline.
Comment: The SPTBN1 c.2163delC variant is predicted to result in premature protein termination (p.Tyr721*). To our knowledge, this variant has not been reported in the literature or in a large population database (gnomAD), indicating this variant is rare. Frameshift variants in SPTBN1 are expected to be pathogenic. This variant is interpreted as likely pathogenic.

NM_003128.3(SPTBN1):c.2163del (p.Ile720_Tyr721insTer)

Gene: SPTBN1 (spectrin beta, non-erythrocytic 1; plus strand). Cytogenetic location: 2p16.2.
Variant type: Deletion.
Coding change: c.2163del on transcript NM_003128.3 (MANE Select); coding-DNA position 2163, one base deleted (C; older notation c.2163delC).
Protein change: p.Ile720_Tyr721insTer.
Molecular consequence: nonsense.
Genome position (GRCh38, 1-based): chr2:54,629,297, C deleted. VCF-style (leftmost placement, unchanged base first): chr2-54629296-AC-A. GRCh37 (hg19) VCF-style: chr2-54856433-AC-A.
Other names: c.2124del, p.Ile707_Tyr708insTer (NM_178313.3).
Identifiers: ClinVar variation 4983851 (VCV004983851.1).